The following is an entry in ClinVar:

ClinVar aggregate classification (germline): Uncertain significance (1 of 4 stars; one submission).

Conditions:
Epidermodysplasia verruciformis. Identifiers: Orphanet 302, MedGen C0014522, MONDO:0009176.

Allele frequency attached by ClinVar (database versions not stated): gnomAD exomes below 0.00001.
gnomAD v4.1: 1 of 1,614,214 alleles (0.000062%); highest among the groups gnomAD compares: East Asian, 0.0022%; no homozygotes.

Submission:

Labcorp Genetics (formerly Invitae), Labcorp
Classification: Uncertain significance for Epidermodysplasia verruciformis. Last evaluated: 2021-10-12. Review status: criteria provided, single submitter. Criteria: Invitae Variant Classification Sherloc (09022015). Collection method: clinical testing. Allele origin: germline.
Comment: This sequence change replaces glutamine with lysine at codon 169 of the TMC8 protein (p.Gln169Lys). The glutamine residue is weakly conserved and there is a small physicochemical difference between glutamine and lysine. This variant is not present in population databases (ExAC no frequency). This variant has not been reported in the literature in individuals affected with TMC8-related conditions. Algorithms developed to predict the effect of missense changes on protein structure and function (SIFT, PolyPhen-2, Align-GVGD) all suggest that this variant is likely to be tolerated. In summary, the available evidence is currently insufficient to determine the role of this variant in disease. Therefore, it has been classified as a Variant of Uncertain Significance.

NM_152468.5(TMC8):c.505C>A (p.Gln169Lys)

Gene: TMC8 (transmembrane channel like 8; plus strand). Cytogenetic location: 17q25.3.
Variant type: single nucleotide variant.
Coding change: c.505C>A on transcript NM_152468.5 (MANE Select); coding-DNA position 505, C replaced by A.
Protein change: p.Gln169Lys; replaces glutamine 169 with lysine.
Molecular consequence: missense variant.
Genome position (GRCh38, 1-based): chr17:78,132,844, C>A. VCF-style: chr17-78132844-C-A. GRCh37 (hg19) VCF-style: chr17-76128925-C-A.
Other names: short protein forms Q169K.
Identifiers: ClinVar variation 1448970 (VCV001448970.6), dbSNP rs2145611174, ClinGen allele CA401242598.